The following is an entry in ClinVar:

ClinVar aggregate classification (germline): Likely pathogenic (1 of 4 stars; one submission).

Conditions:
Congenital prothrombin deficiency. Also called: Inherited hypoprothrombinemia; Congenital factor II deficiency; Inherited prothrombin deficiency; Factor II deficiency; HYPOPROTHROMBINEMIA; Hereditary factor II deficiency disease. Identifiers: Orphanet 325, MedGen C0272317, MONDO:0013361, OMIM 613679.

Allele frequency attached by ClinVar (database versions not stated): gnomAD exomes below 0.00001; gnomAD 0.00001; TOPMed 0.00003.
gnomAD v4.1: 4 of 1,613,540 alleles (0.00025%); highest among the groups gnomAD compares: Admixed American, 0.0033%; no homozygotes.

Submission:

Labcorp Genetics (formerly Invitae), Labcorp
Classification: Likely pathogenic for Congenital prothrombin deficiency. Last evaluated: 2024-10-07. Review status: criteria provided, single submitter. Criteria: Invitae Variant Classification Sherloc (09022015). Collection method: clinical testing. Allele origin: germline.
Comment: This sequence change affects a donor splice site in intron 5 of the F2 gene. It is expected to disrupt RNA splicing. Variants that disrupt the donor or acceptor splice site typically lead to a loss of protein function (PMID: 16199547), and loss-of-function variants in F2 are known to be pathogenic (PMID: 23852823). This variant is not present in population databases (gnomAD no frequency). Disruption of this splice site has been observed in individual(s) with prothrombin deficiency (PMID: 14629473). This variant is also known as G4036A. Algorithms developed to predict the effect of sequence changes on RNA splicing suggest that this variant may disrupt the consensus splice site. In summary, the currently available evidence indicates that the variant is pathogenic, but additional data are needed to prove that conclusively. Therefore, this variant has been classified as Likely Pathogenic.

Literature cited by the submitters: PubMed 16199547; PubMed 23852823; PubMed 14629473.

NM_000506.5(F2):c.422+1G>A

Gene: F2 (coagulation factor II, thrombin; plus strand). Cytogenetic location: 11p11.2.
Variant type: single nucleotide variant.
Coding change: c.422+1G>A on transcript NM_000506.5 (MANE Select); the canonical splice donor site of the intron after coding-DNA position 422, G replaced by A.
Molecular consequence: splice donor variant.
Genome position (GRCh38, 1-based): chr11:46,723,286, G>A. VCF-style: chr11-46723286-G-A. GRCh37 (hg19) VCF-style: chr11-46744836-G-A.
Identifiers: ClinVar variation 2735584 (VCV002735584.3), dbSNP rs113164417, ClinGen allele CA221650118.